The following is an entry in ClinVar:

ClinVar aggregate classification (germline): Likely pathogenic (1 of 4 stars; one submission).

Conditions:
CFTR-related disorder (CFTR-RD). Also called: CFTR-related disorders; CFTR-related condition. Identifiers: MedGen C5924204, MONDO:7770004.

Submission:

Natera, Inc.
Classification: Likely pathogenic for CFTR-related disorders. Last evaluated: 2026-01-29. Review status: criteria provided, single submitter. Criteria: Natera Variant Classification Schema (03/2026). Collection method: clinical testing. Allele origin: germline.
Comment: The c.4137-2delA variant in CFTR is a canonical splice acceptor site variant predicted to affect pre-mRNA splicing, which may result in an abnormal transcript and altered protein product. This variant is expected to result in nonsense mediated decay, truncation, or a dysfunctional protein product. This variant is rare in the general population with a frequency below the threshold expected for the associated phenotype(s). Given the available evidence, this variant is classified as Likely Pathogenic.

NM_000492.4(CFTR):c.4137-2del

Gene: CFTR (CF transmembrane conductance regulator; plus strand). Cytogenetic location: 7q31.2.
Variant type: Deletion.
Coding change: c.4137-2del on transcript NM_000492.4 (MANE Select); the canonical splice acceptor site of the intron before coding-DNA position 4137, one base deleted (A; older notation c.4137-2delA).
Molecular consequence: splice acceptor variant.
Genome position (GRCh38, 1-based): chr7:117,665,457, A deleted. VCF-style (leftmost placement, unchanged base first): chr7-117665456-TA-T. GRCh37 (hg19) VCF-style: chr7-117305510-TA-T.
Identifiers: ClinVar variation 4818554 (VCV004818554.1).
Genomic context (GRCh38, chr7:117,665,456, plus strand): 5'-CAAGGTAAATACAGATCATTACTGTTCTGTGATATTATGTGTGGTATTTTCTTTCTTTTC[TA>T]GAACATACCAAATAATTAGAAGAACTCTAAAACAAGCATTTGCTGATTGCACAGTAATTC-3'